The following is an entry in ClinVar:

NM_032816.5(CEP89):c.2189G>A (p.Arg730Gln)

Gene: CEP89 (centrosomal protein 89; minus strand). Cytogenetic location: 19q13.11.
Variant type: single nucleotide variant.
Coding change: c.2189G>A on transcript NM_032816.5 (MANE Select); coding-DNA position 2189, G replaced by A.
Protein change: p.Arg730Gln; replaces arginine 730 with glutamine.
Molecular consequence: missense variant.
Genome position (GRCh38, 1-based): chr19:32,879,325, C>T on the plus strand (G>A on the coding strand, the complement: CEP89 is on the minus strand). VCF-style: chr19-32879325-C-T. GRCh37 (hg19) VCF-style: chr19-33370231-C-T.
Other names: short protein forms R730Q.
Identifiers: ClinVar variation 2164602 (VCV002164602.4), dbSNP rs758657889, ClinGen allele CA9359050.
Genomic context (GRCh38, chr19:32,879,325, plus strand): 5'-CTGGGGTTGTCCTGCACGCCTGTCCTCGTGAGTGTGTCCTGGAGAAGTTCTCGGATTCTT[C>T]GGTTTTCCCTGAAGGTAGATTCCCAAATAACTTCAAGTTCACCTTCCATTTCTCTGAGGG-3'
Protein context (NP_116205.3, residues 720-740): VIWESTFREN[Arg730Gln]RIRELLQDTL

ClinVar aggregate classification (germline): Uncertain significance (1 of 4 stars; one submission).

Allele frequency attached by ClinVar (database versions not stated): TOPMed 0.00002; gnomAD 0.00005; gnomAD exomes 0.00005; ExAC 0.00006.
gnomAD v4.1: 80 of 1,614,126 alleles (0.005%); highest among the groups gnomAD compares: South Asian, 0.045%; 2 homozygotes.

Submission:

Labcorp Genetics (formerly Invitae), Labcorp
Classification: Uncertain significance. Last evaluated: 2021-12-24. Review status: criteria provided, single submitter. Criteria: Invitae Variant Classification Sherloc (09022015). Collection method: clinical testing. Allele origin: germline.
Comment: This sequence change replaces arginine, which is basic and polar, with glutamine, which is neutral and polar, at codon 730 of the CEP89 protein (p.Arg730Gln). This variant is present in population databases (rs758657889, gnomAD 0.05%). This variant has not been reported in the literature in individuals affected with CEP89-related conditions. Algorithms developed to predict the effect of missense changes on protein structure and function output the following: SIFT: "Tolerated"; PolyPhen-2: "Benign"; Align-GVGD: "Class C0". The glutamine amino acid residue is found in multiple mammalian species, which suggests that this missense change does not adversely affect protein function. In summary, the available evidence is currently insufficient to determine the role of this variant in disease. Therefore, it has been classified as a Variant of Uncertain Significance.